The following is an entry in ClinVar:

NM_000522.5(HOXA13):c.456A>G (p.Gln152=)

Genes: HOXA13 (homeobox A13; minus strand), LOC107126288 (NUP98-HOXA13 recombination region; plus strand). Cytogenetic location: 7p15.2.
Variant type: single nucleotide variant.
Coding change: c.456A>G on transcript NM_000522.5 (MANE Select); coding-DNA position 456, A replaced by G.
Protein change: p.Gln152=; no amino-acid change (glutamine 152 retained).
Molecular consequence: synonymous variant.
Genome position (GRCh38, 1-based): chr7:27,199,622, T>C on the plus strand (A>G on the coding strand, the complement: HOXA13 is on the minus strand). VCF-style: chr7-27199622-T-C. GRCh37 (hg19) VCF-style: chr7-27239241-T-C.
Identifiers: ClinVar variation 1542751 (VCV001542751.16), dbSNP rs1784064063, ClinGen allele CA454513727.

ClinVar aggregate classification (germline): Likely benign. Review status: criteria provided, multiple submitters, no conflicts (2 of 4 stars). 2 submissions from 2 submitters: Likely benign (2). Last evaluated 2025-08-01.

Allele frequency attached by ClinVar (database versions not stated): TOPMed below 0.00001; gnomAD 0.00001; gnomAD exomes 0.00001.
gnomAD v4.1: 5 of 1,408,024 alleles (0.00036%); highest among the groups gnomAD compares: Non-Finnish European, 0.00046%; no homozygotes.

Submissions (2):

CeGaT Center for Human Genetics Tuebingen
Classification: Likely benign. Last evaluated: 2025-08-01. Review status: criteria provided, single submitter. Criteria: CeGaT Center For Human Genetics Tuebingen Variant Classification Criteria Version 2. Collection method: clinical testing. Allele origin: germline. Affected: yes. Observed: 1 variant allele.
Comment: HOXA13: BP4, BP7

Labcorp Genetics (formerly Invitae), Labcorp
Classification: Likely benign. Last evaluated: 2023-07-17. Review status: criteria provided, single submitter. Criteria: Invitae Variant Classification Sherloc (09022015). Collection method: clinical testing. Allele origin: germline.